The following is an entry in ClinVar:

ClinVar aggregate classification (germline): Benign. Review status: reviewed by expert panel (3 of 4 stars). 3 submissions from 3 submitters: Benign (1). 2 of the submissions do not count toward it. Last evaluated 2016-09-28.

Conditions:
Hereditary cancer-predisposing syndrome. Also called: Tumor predisposition; Hereditary Cancer Syndrome; Neoplastic Syndromes, Hereditary; Hereditary neoplastic syndrome. Identifiers: Orphanet 140162, MedGen C0027672, MeSH D009386, MONDO:0015356.
Breast-ovarian cancer, familial, susceptibility to, 1 (BROVCA1). Also called: OVARIAN CANCER, SUSCEPTIBILITY TO; BRCA1 Hereditary Breast and Ovarian Cancer. Identifiers: Orphanet 145, MedGen C2676676, MONDO:0011450, OMIM 604370. Disease mechanism: loss of function.

Allele frequency attached by ClinVar (database versions not stated): gnomAD 0.00257 and 0.00270; TOPMed 0.00267; 1000 Genomes Project 0.00319; 1000 Genomes Project 30x 0.00390.
gnomAD v4.1: 387 of 152,286 alleles (0.25%); highest among the groups gnomAD compares: African/African-American, 0.88%; 1 homozygote.

Submissions (3):

Evidence-based Network for the Interpretation of Germline Mutant Alleles (ENIGMA)
Classification: Benign for Breast-ovarian cancer, familial, susceptibility to, 1. Last evaluated: 2016-09-28. Review status: reviewed by expert panel. Criteria: ENIGMA BRCA1/2 Classification Criteria (2015). Collection method: curation. Allele origin: germline.
Comment: Class 1 not pathogenic based on frequency >1% in an outbred sampleset. Frequency 0.0113 (African), derived from 1000 genomes (2013-05-02).

CeGaT Center for Human Genetics Tuebingen
Classification: Benign. Last evaluated: 2024-08-01. Review status: criteria provided, single submitter. Criteria: CeGaT Center For Human Genetics Tuebingen Variant Classification Criteria Version 2. Collection method: clinical testing. Allele origin: germline. Affected: yes. Observed: 3 variant alleles. Not counted in ClinVar's aggregate classification.
Comment: BRCA1: BS1, BS2

Sema4
Classification: Benign for Hereditary cancer-predisposing syndrome. Last evaluated: 2020-02-06. Review status: criteria provided, single submitter. Criteria: Sema4 Curation Guidelines. Collection method: curation. Allele origin: germline. Not counted in ClinVar's aggregate classification.

NM_007294.4(BRCA1):c.80+4068T>C

Genes: BRCA1 (BRCA1 DNA repair associated; minus strand), LOC110485084 (BRCA1 intronic recombination region; plus strand), LOC111589216 (BRCA1 intron 2 regulatory region; plus strand). Cytogenetic location: 17q21.31.
Variant type: single nucleotide variant.
Coding change: c.80+4068T>C on transcript NM_007294.4 (MANE Select); 4068 bases into the intron after coding-DNA position 80, T replaced by C.
Molecular consequence: intron variant.
Genome position (GRCh38, 1-based): chr17:43,119,949, A>G on the plus strand (T>C on the coding strand, the complement: BRCA1 is on the minus strand). VCF-style: chr17-43119949-A-G. GRCh37 (hg19) VCF-style: chr17-41271966-A-G.
Other names: c.-61-4170T>C (NM_001408458.1, NM_001408470.1, NM_001407848.1 and 16 more transcripts); c.-219+5328T>C (NM_001407967.1); c.-170+5328T>C (NM_001407959.1); c.-8+5328T>C (NM_001407931.1, NM_001407747.1); c.-223-4170T>C (NM_001407962.1, NM_001408512.1, NM_001408510.1 and 1 more transcripts); c.-108-4170T>C (NM_001407885.1, NM_001407896.1); c.-177-4170T>C (NM_001407746.1); c.-8+4068T>C (NM_001408461.1, NM_001407738.1, NM_001407932.1 and 23 more transcripts); and 18 more.
Identifiers: ClinVar variation 264781 (VCV000264781.29), dbSNP rs532039683, ClinGen allele CA10588261.
Genomic context (GRCh38, chr17:43,119,949, plus strand): 5'-GAAAACTCCGATATGTAAAAAGGTAATGAATGTTGAAGGAAGACTGTGAAAAGGGAAAAG[A>G]AAAAAAATTAAAATGTTCCCCTTCTAGGTCCTGATGAGAGTAAATGTTTACTATAAAAAT-3'